The following is an entry in ClinVar:

NM_006231.4(POLE):c.4919A>G (p.Asp1640Gly)

Gene: POLE (DNA polymerase epsilon, catalytic subunit; minus strand). Cytogenetic location: 12q24.33.
Variant type: single nucleotide variant.
Coding change: c.4919A>G on transcript NM_006231.4 (MANE Select); coding-DNA position 4919, A replaced by G.
Protein change: p.Asp1640Gly; replaces aspartic acid 1640 with glycine.
Molecular consequence: missense variant.
Genome position (GRCh38, 1-based): chr12:132,642,539, T>C on the plus strand (A>G on the coding strand, the complement: POLE is on the minus strand). VCF-style: chr12-132642539-T-C. GRCh37 (hg19) VCF-style: chr12-133219125-T-C.
Other names: c.4919A>G (NM_006231.2); short protein forms D1640G.
Identifiers: ClinVar variation 1478349 (VCV001478349.9), dbSNP rs2138533896, ClinGen allele CA387377917.

ClinVar aggregate classification (germline): Uncertain significance. Review status: criteria provided, multiple submitters, no conflicts (2 of 4 stars). 2 submissions from 2 submitters: Uncertain significance (2). Last evaluated 2025-12-13.

Conditions:
Hereditary cancer-predisposing syndrome. Also called: Tumor predisposition; Hereditary Cancer Syndrome; Hereditary neoplastic syndrome; Neoplastic Syndromes, Hereditary. Identifiers: Orphanet 140162, MedGen C0027672, MeSH D009386, MONDO:0015356.

Submissions (2):

Ambry Genetics
Classification: Uncertain significance for Hereditary cancer-predisposing syndrome. Last evaluated: 2025-12-13. Review status: criteria provided, single submitter. Criteria: Ambry Variant Classification Scheme 2023. Collection method: clinical testing. Allele origin: germline.
Comment: The p.D1640G variant (also known as c.4919A>G), located in coding exon 37 of the POLE gene, results from an A to G substitution at nucleotide position 4919. The aspartic acid at codon 1640 is replaced by glycine, an amino acid with similar properties. This amino acid position is conserved. In addition, the in silico prediction for this alteration is inconclusive. Based on the available evidence, the clinical significance of this variant remains unclear.

Labcorp Genetics (formerly Invitae), Labcorp
Classification: Uncertain significance. Last evaluated: 2021-07-27. Review status: criteria provided, single submitter. Criteria: Invitae Variant Classification Sherloc (09022015). Collection method: clinical testing. Allele origin: germline.
Comment: In summary, the available evidence is currently insufficient to determine the role of this variant in disease. Therefore, it has been classified as a Variant of Uncertain Significance. Algorithms developed to predict the effect of missense changes on protein structure and function (SIFT, PolyPhen-2, Align-GVGD) all suggest that this variant is likely to be tolerated. This variant has not been reported in the literature in individuals affected with POLE-related conditions. This variant is not present in population databases (ExAC no frequency). This sequence change replaces aspartic acid with glycine at codon 1640 of the POLE protein (p.Asp1640Gly). The aspartic acid residue is moderately conserved and there is a moderate physicochemical difference between aspartic acid and glycine.